The following is an entry in ClinVar:

NM_001351132.2(PEX5):c.1611G>C (p.Gln537His)

Gene: PEX5 (peroxisomal biogenesis factor 5; plus strand). Cytogenetic location: 12p13.31.
Variant type: single nucleotide variant.
Coding change: c.1611G>C on transcript NM_001351132.2 (MANE Select); coding-DNA position 1611, G replaced by C.
Protein change: p.Gln537His; replaces glutamine 537 with histidine.
Molecular consequence: missense variant.
Genome position (GRCh38, 1-based): chr12:7,209,733, G>C. VCF-style: chr12-7209733-G-C. GRCh37 (hg19) VCF-style: chr12-7362329-G-C.
Other names: c.1587G>C, p.Gln529His (NM_000319.5); c.1656G>C, p.Gln552His (NM_001131023.2); c.1500G>C, p.Gln500His (NM_001131024.2, NM_001351124.3, NM_001351126.2 and 7 more transcripts); c.1611G>C, p.Gln537His (NM_001131025.2, NM_001131026.2, NM_001300789.3 and 4 more transcripts); c.1545G>C, p.Gln515His (NM_001351135.3, NM_001351138.2); c.1602G>C, p.Gln534His (NM_001351136.2); c.1476G>C, p.Gln492His (NM_001351139.2, NM_001351140.2, NM_001374649.2); short protein forms Q500H, Q515H, Q537H, Q529H, Q534H, Q552H, Q492H.
Identifiers: ClinVar variation 1937675 (VCV001937675.2), dbSNP rs2540322387, ClinGen allele CA383737991.

ClinVar aggregate classification (germline): Uncertain significance (1 of 4 stars; one submission).

Conditions:
Peroxisome biogenesis disorder 2B (PBD2B). Identifiers: Orphanet 44, MedGen C3550234, MONDO:0008736, OMIM 202370.

Allele frequency attached by ClinVar (database versions not stated): gnomAD exomes below 0.00001.
gnomAD v4.1: 4 of 1,478,984 alleles (0.00027%); highest among the groups gnomAD compares: Non-Finnish European, 0.00036%; no homozygotes.

Submission:

Labcorp Genetics (formerly Invitae), Labcorp
Classification: Uncertain significance for Peroxisome biogenesis disorder 2B. Last evaluated: 2022-09-14. Review status: criteria provided, single submitter. Criteria: Invitae Variant Classification Sherloc (09022015). Collection method: clinical testing. Allele origin: germline.
Comment: This sequence change replaces glutamine, which is neutral and polar, with histidine, which is basic and polar, at codon 537 of the PEX5 protein (p.Gln537His). This variant is not present in population databases (gnomAD no frequency). This variant has not been reported in the literature in individuals affected with PEX5-related conditions. Advanced modeling of protein sequence and biophysical properties (such as structural, functional, and spatial information, amino acid conservation, physicochemical variation, residue mobility, and thermodynamic stability) performed at Invitae indicates that this missense variant is not expected to disrupt PEX5 protein function. In summary, the available evidence is currently insufficient to determine the role of this variant in disease. Therefore, it has been classified as a Variant of Uncertain Significance.